The following is an entry in ClinVar:

NM_001734.5(C1S):c.1712G>A (p.Gly571Asp)

Gene: C1S (complement C1s; plus strand). Cytogenetic location: 12p13.31.
Variant type: single nucleotide variant.
Coding change: c.1712G>A on transcript NM_001734.5 (MANE Select); coding-DNA position 1712, G replaced by A.
Protein change: p.Gly571Asp; replaces glycine 571 with aspartic acid.
Molecular consequence: missense variant.
Genome position (GRCh38, 1-based): chr12:7,070,296, G>A. VCF-style: chr12-7070296-G-A. GRCh37 (hg19) VCF-style: chr12-7177600-G-A.
Other names: c.1211G>A, p.Gly404Asp (NM_001346850.2); c.1712G>A, p.Gly571Asp (NM_201442.4); short protein forms G404D, G571D.
Identifiers: ClinVar variation 2570818 (VCV002570818.27), dbSNP rs2135730371, ClinGen allele CA383706321.
Genomic context (GRCh38, chr12:7,070,296, plus strand): 5'-CAGGCACCTCTTCCGACTACAACCTCATGGATGGGGACCTGGGACTGATCTCAGGCTGGG[G>A]CCGAACAGAGAAGAGAGATCGTGCTGTTCGCCTCAAGGCGGCAAGGTTACCTGTAGCTCC-3'
Protein context (NP_001725.1, residues 561-581): DGDLGLISGW[Gly571Asp]RTEKRDRAVR

ClinVar aggregate classification (germline): Uncertain significance (1 of 4 stars; one submission).

Submission:

CeGaT Center for Human Genetics Tuebingen
Classification: Uncertain significance. Last evaluated: 2023-04-01. Review status: criteria provided, single submitter. Criteria: CeGaT Center For Human Genetics Tuebingen Variant Classification Criteria Version 2. Collection method: clinical testing. Allele origin: germline. Affected: yes. Observed: 1 variant allele.
Comment: C1S: PM2